The following is an entry in ClinVar:

NM_033380.3(COL4A5):c.2227G>A (p.Gly743Ser)

Gene: COL4A5 (collagen type IV alpha 5 chain; plus strand). Cytogenetic location: Xq22.3.
Variant type: single nucleotide variant.
Coding change: c.2227G>A on transcript NM_033380.3 (MANE Select); coding-DNA position 2227, G replaced by A.
Protein change: p.Gly743Ser; replaces glycine 743 with serine.
Molecular consequence: missense variant.
Genome position (GRCh38, 1-based): chrX:108,603,044, G>A. VCF-style: chrX-108603044-G-A. GRCh37 (hg19) VCF-style: chrX-107846274-G-A.
Other names: c.2227G>A, p.Gly743Ser (NM_000495.5); c.2227G>A (NM_000495.4); short protein forms G743S.
Identifiers: ClinVar variation 1495278 (VCV001495278.9), dbSNP rs749817240, ClinGen allele CA10488871.

ClinVar aggregate classification (germline): Likely pathogenic. Review status: criteria provided, multiple submitters, no conflicts (2 of 4 stars). 2 submissions from 2 submitters: Likely pathogenic (2). Last evaluated 2025-10-03.

Conditions:
X-linked Alport syndrome (ATS1). Also called: COL4A5-Related Nephropathy; NEPHROPATHY AND DEAFNESS, X-LINKED. Identifiers: Orphanet 63, Orphanet 88917, MedGen C4746986, MONDO:0010520, OMIM 301050.

Allele frequency attached by ClinVar (database versions not stated): gnomAD exomes below 0.00001 and 0.00001; ExAC 0.00004.
gnomAD v4.1: 3 of 1,173,236 alleles (0.00026%); highest among the groups gnomAD compares: Admixed American, 0.0023%; no homozygotes.

Submissions (2):

Natera, Inc.
Classification: Likely pathogenic for X-linked Alport syndrome. Last evaluated: 2025-10-03. Review status: criteria provided, single submitter. Criteria: Natera Variant Classification Schema (03/2026). Collection method: clinical testing. Allele origin: germline.
Comment: The c.2227G>A variant in COL4A5 is a missense variant predicted to cause substitution of glycine to serine at amino acid 743. This variant is located in a functionally critical region of the protein. A different variant at the same position has been determined to be Pathogenic or Likely Pathogenic. Computational prediction algorithms indicate this variant is likely to affect gene or protein function. Given the available evidence, this variant is classified as Likely Pathogenic.

Labcorp Genetics (formerly Invitae), Labcorp
Classification: Likely pathogenic. Last evaluated: 2025-06-12. Review status: criteria provided, single submitter. Criteria: Invitae Variant Classification Sherloc (09022015). Collection method: clinical testing. Allele origin: germline.
Comment: This sequence change replaces glycine, which is neutral and non-polar, with serine, which is neutral and polar, at codon 743 of the COL4A5 protein (p.Gly743Ser). The frequency data for this variant in the population databases is considered unreliable, as metrics indicate poor data quality at this position in the gnomAD database. This variant has not been reported in the literature in individuals affected with COL4A5-related conditions. ClinVar contains an entry for this variant (Variation ID: 1495278). Invitae Evidence Modeling of protein sequence and biophysical properties (such as structural, functional, and spatial information, amino acid conservation, physicochemical variation, residue mobility, and thermodynamic stability) indicates that this missense variant is expected to disrupt COL4A5 protein function with a positive predictive value of 95%. This variant disrupts the triple helix domain of COL4A5. Glycine residues within the Gly-Xaa-Yaa repeats of the triple helix domain are required for the structure and stability of fibrillar collagens (PMID: 7695699, 8218237, 19344236). In COL4A5, missense variants at these glycine residues are significantly enriched in individuals with disease (PMID: 23720012, 27627812) compared to the general population (ExAC). This variant disrupts the p.Gly743 amino acid residue in COL4A5. Other variant(s) that disrupt this residue have been observed in individuals with COL4A5-related conditions (PMID: 28632965, 35020912), which suggests that this may be a clinically significant amino acid residue. In summary, the currently available evidence indicates that the variant is pathogenic, but additional data are needed to prove that conclusively. Therefore, this variant has been classified as Likely Pathogenic.

Literature cited by the submitters: PubMed 7695699 (cited by Labcorp Genetics (formerly Invitae), Labcorp); PubMed 8218237 (cited by Labcorp Genetics (formerly Invitae), Labcorp); PubMed 19344236 (cited by Labcorp Genetics (formerly Invitae), Labcorp); PubMed 23720012 (cited by Labcorp Genetics (formerly Invitae), Labcorp); PubMed 27627812 (cited by Labcorp Genetics (formerly Invitae), Labcorp); PubMed 28632965 (cited by Labcorp Genetics (formerly Invitae), Labcorp); PubMed 35020912 (cited by Labcorp Genetics (formerly Invitae), Labcorp).